The following is an entry in ClinVar:

NM_000051.4(ATM):c.2750_2752del (p.Ser917del)

Gene: ATM (ATM serine/threonine kinase; plus strand). Cytogenetic location: 11q22.3.
Variant type: Deletion.
Coding change: c.2750_2752del on transcript NM_000051.4 (MANE Select); coding-DNA positions 2750 to 2752, 3 bases deleted (CCT; older notation c.2750_2752delCCT).
Protein change: p.Ser917del; deletes serine 917.
Molecular consequence: inframe deletion. On other transcripts: inframe indel (1).
Genome position (GRCh38, 1-based): chr11:108,268,521-108,268,523, CCT deleted; deleting any 3 consecutive bases within chr11:108,268,520-108,268,523 gives the same sequence; the c. name uses the placement nearest the transcript's 3' end. VCF-style (leftmost placement, unchanged base first): chr11-108268519-GTCC-G. GRCh37 (hg19) VCF-style: chr11-108139246-GTCC-G.
Other names: c.2750_2752del (NM_000051.3); c.2750_2752delCCT, p.Ser917del (NM_000051.3); c.2750_2752del, p.Ser917del (NM_001351834.2); short protein forms S917del.
Identifiers: ClinVar variation 2975564 (VCV002975564.5), dbSNP rs2497635756, ClinGen allele CA2740093199.

ClinVar aggregate classification (germline): Uncertain significance. Review status: criteria provided, multiple submitters, no conflicts (2 of 4 stars). 3 submissions from 3 submitters: Uncertain significance (3). Last evaluated 2024-10-03.

Conditions:
Hereditary cancer-predisposing syndrome. Also called: Tumor predisposition; Hereditary neoplastic syndrome; Neoplastic Syndromes, Hereditary; Hereditary Cancer Syndrome. Identifiers: Orphanet 140162, MedGen C0027672, MeSH D009386, MONDO:0015356.
Ataxia-telangiectasia syndrome (AT). Also called: AT, COMPLEMENTATION GROUP C; ATAXIA-TELANGIECTASIA, COMPLEMENTATION GROUP A; ATAXIA-TELANGIECTASIA, FRESNO VARIANT; Ataxia-telangiectasia; Ataxia-telangiectasia, complementation group D; Ataxia-telangiectasia, complementation group E. Identifiers: Orphanet 100, MedGen C0004135, MONDO:0008840, OMIM 208900.

Submissions (3):

Ambry Genetics
Classification: Uncertain significance for Hereditary cancer-predisposing syndrome. Last evaluated: 2024-10-03. Review status: criteria provided, single submitter. Criteria: Ambry Variant Classification Scheme 2023. Collection method: clinical testing. Allele origin: germline.
Comment: The c.2750_2752delCCT variant (also known as p.S917del) is located in coding exon 17 of the ATM gene. This variant results from an in-frame CCT deletion at nucleotide positions 2750 to 2752. This results in the in-frame deletion of a serine at codon 917. This amino acid position is well conserved in available vertebrate species. In addition, the in silico prediction for this alteration is inconclusive (Choi Y et al. PLoS ONE. 2012; 7(10):e46688). Based on the available evidence, the clinical significance of this variant remains unclear.

Labcorp Genetics (formerly Invitae), Labcorp
Classification: Uncertain significance for Ataxia-telangiectasia syndrome. Last evaluated: 2024-04-15. Review status: criteria provided, single submitter. Criteria: Invitae Variant Classification Sherloc (09022015). Collection method: clinical testing. Allele origin: germline.
Comment: This variant, c.2750_2752del, results in the deletion of 1 amino acid(s) of the ATM protein (p.Ser917del), but otherwise preserves the integrity of the reading frame. This variant is not present in population databases (gnomAD no frequency). This variant has not been reported in the literature in individuals affected with ATM-related conditions. Experimental studies and prediction algorithms are not available or were not evaluated, and the functional significance of this variant is currently unknown. In summary, the available evidence is currently insufficient to determine the role of this variant in disease. Therefore, it has been classified as a Variant of Uncertain Significance.

GeneDx
Classification: Uncertain significance. Last evaluated: 2023-12-11. Review status: criteria provided, single submitter. Criteria: GeneDx Variant Classification Process June 2021. Collection method: clinical testing. Allele origin: germline. Affected: yes.
Comment: In-frame deletion of 1 amino acis in a non-repeat region; In silico analysis supports a deleterious effect on protein structure/function; Not observed at significant frequency in large population cohorts (gnomAD); Has not been previously published as pathogenic or benign to our knowledge